The following is an entry in ClinVar:

ClinVar aggregate classification (germline): Uncertain significance (1 of 4 stars; one submission).

Conditions:
Hereditary cancer-predisposing syndrome. Also called: Hereditary Cancer Syndrome; Hereditary neoplastic syndrome; Tumor predisposition; Neoplastic Syndromes, Hereditary. Identifiers: Orphanet 140162, MedGen C0027672, MeSH D009386, MONDO:0015356.
Cardiovascular phenotype. Identifiers: MedGen CN230736.

Submission:

Ambry Genetics
Classification: Uncertain significance for Cardiovascular phenotype; Hereditary cancer-predisposing syndrome. Last evaluated: 2021-12-21. Review status: criteria provided, single submitter. Criteria: Ambry Variant Classification Scheme 2023. Collection method: clinical testing. Allele origin: germline.
Comment: The p.Q803E variant (also known as c.2407C>G), located in coding exon 20 of the NF1 gene, results from a C to G substitution at nucleotide position 2407. The glutamine at codon 803 is replaced by glutamic acid, an amino acid with highly similar properties. This amino acid position is highly conserved in available vertebrate species. In addition, this alteration is predicted to be tolerated by in silico analysis. Since supporting evidence is limited at this time, the clinical significance of this alteration remains unclear.

NM_001042492.3(NF1):c.2407C>G (p.Gln803Glu)

Gene: NF1 (neurofibromin 1; plus strand). Cytogenetic location: 17q11.2.
Variant type: single nucleotide variant.
Coding change: c.2407C>G on transcript NM_001042492.3 (MANE Select); coding-DNA position 2407, C replaced by G.
Protein change: p.Gln803Glu; replaces glutamine 803 with glutamic acid.
Molecular consequence: missense variant.
Genome position (GRCh38, 1-based): chr17:31,227,604, C>G. VCF-style: chr17-31227604-C-G. GRCh37 (hg19) VCF-style: chr17-29554622-C-G.
Other names: c.2407C>G, p.Gln803Glu (NM_000267.4); short protein forms Q803E.
Identifiers: ClinVar variation 1790809 (VCV001790809.2), dbSNP rs1567848213, ClinGen allele CA398983328.